The following is an entry in ClinVar:

ClinVar aggregate classification (germline): Uncertain significance (1 of 4 stars; one submission).

gnomAD v4.1: 1 of 1,613,980 alleles (0.000062%); highest among the groups gnomAD compares: Non-Finnish European, 0.000085%; no homozygotes.

Submission:

Mayo Clinic Laboratories, Mayo Clinic
Classification: Uncertain significance. Last evaluated: 2023-05-24. Review status: criteria provided, single submitter. Criteria: ACMG Guidelines, 2015. Collection method: clinical testing. Allele origin: germline. Observed: 1 variant allele.
Comment: PM2_supporting

NM_001369.3(DNAH5):c.8369A>T (p.Tyr2790Phe)

Gene: DNAH5 (dynein axonemal heavy chain 5; minus strand). Cytogenetic location: 5p15.2.
Variant type: single nucleotide variant.
Coding change: c.8369A>T on transcript NM_001369.3 (MANE Select); coding-DNA position 8369, A replaced by T.
Protein change: p.Tyr2790Phe; replaces tyrosine 2790 with phenylalanine.
Molecular consequence: missense variant.
Genome position (GRCh38, 1-based): chr5:13,792,073, T>A on the plus strand (A>T on the coding strand, the complement: DNAH5 is on the minus strand). VCF-style: chr5-13792073-T-A. GRCh37 (hg19) VCF-style: chr5-13792182-T-A.
Other names: p.Tyr2790Phe; short protein forms Y2790F.
Identifiers: ClinVar variation 2682882 (VCV002682882.1), dbSNP rs762235569, ClinGen allele CA359219126.